The following is an entry in ClinVar:

ClinVar aggregate classification (germline): Uncertain significance (1 of 4 stars; one submission).

Conditions:
Intellectual developmental disorder, autosomal dominant 51. Also called: MENTAL RETARDATION, AUTOSOMAL DOMINANT 51; Intellectual disability, autosomal dominant 51. Identifiers: Orphanet 684226, MedGen C4540474, MONDO:0030917, OMIM 617788.

gnomAD v4.1: 1 of 1,610,962 alleles (0.000062%); highest among the groups gnomAD compares: Middle Eastern, 0.017%; no homozygotes.

Submission:

3billion
Classification: Uncertain significance for Intellectual developmental disorder, autosomal dominant 51. Last evaluated: 2025-06-27. Review status: criteria provided, single submitter. Criteria: ACMG Guidelines, 2015. Collection method: clinical testing. Allele origin: germline. Affected: yes.
Comment: The variant is observed at an extremely low frequency in the gnomAD v4.1.0 dataset (total allele frequency: <0.001%). Predicted Consequence/Location: Missense variant In silico tool predictions suggest damaging effect of the variant on gene or gene product [3Cnet: 0.91 (> 0.75, sensitivity 0.96 and precision 0.92)]. Different missense changes at the same codon have been reported as of uncertain significance (ClinVar ID: VCV001709197). Therefore, this variant is classified as VUS according to the recommendation of ACMG/AMP guideline.

NM_017635.5(KMT5B):c.878C>T (p.Ala293Val)

Gene: KMT5B (lysine methyltransferase 5B; minus strand). Cytogenetic location: 11q13.2.
Variant type: single nucleotide variant.
Coding change: c.878C>T on transcript NM_017635.5 (MANE Select); coding-DNA position 878, C replaced by T.
Protein change: p.Ala293Val; replaces alanine 293 with valine.
Molecular consequence: missense variant. On other transcripts: non-coding transcript variant (3).
Genome position (GRCh38, 1-based): chr11:68,171,114, G>A on the plus strand (C>T on the coding strand, the complement: KMT5B is on the minus strand). VCF-style: chr11-68171114-G-A. GRCh37 (hg19) VCF-style: chr11-67938581-G-A.
Other names: c.362C>T, p.Ala121Val (NM_001300907.1, NM_001369424.1, NM_001369428.1 and 5 more transcripts); c.158C>T, p.Ala53Val (NM_001300908.2); c.809C>T, p.Ala270Val (NM_001300909.2); c.878C>T, p.Ala293Val (NM_001363566.2, NM_001369426.1, NM_001369427.1 and 1 more transcripts); c.665C>T, p.Ala222Val (NM_001369425.1); short protein forms A121V, A222V, A270V, A293V, A53V.
Identifiers: ClinVar variation 4854966 (VCV004854966.1).
Genomic context (GRCh38, chr11:68,171,114, plus strand): 5'-CCAAAGAACCCATCTCCATAATAACAAGAAATTTCTTCTCCAGGTTCAATGTCTCTTAGA[G>A]CCTTCACACATGCTGTATCTCGACCAGTTGACACAAACTAAAATAAAAGTAACTCAGTAA-3'
Protein context (NP_060105.3, residues 283-303): STGRDTACVK[Ala293Val]LRDIEPGEEI